The following is an entry in ClinVar:

ClinVar aggregate classification (germline): Uncertain significance (1 of 4 stars; one submission).

Conditions:
Progressive myoclonic epilepsy. Also called: Myoclonic Epilepsies, Progressive; Familial progressive myoclonic epilepsy; Myoclonus epilepsy; Progressive myoclonus epilepsy. Identifiers: Orphanet 308, Orphanet 98261, MedGen C0751778, MONDO:0020074.

Submission:

Labcorp Genetics (formerly Invitae), Labcorp
Classification: Uncertain significance for Progressive myoclonic epilepsy. Last evaluated: 2019-04-28. Review status: criteria provided, single submitter. Criteria: Invitae Variant Classification Sherloc (09022015). Collection method: clinical testing. Allele origin: germline.
Comment: In summary, the available evidence is currently insufficient to determine the role of this variant in disease. Therefore, it has been classified as a Variant of Uncertain Significance. Algorithms developed to predict the effect of missense changes on protein structure and function are either unavailable or do not agree on the potential impact of this missense change (SIFT: "Deleterious"; PolyPhen-2: "Possibly Damaging"; Align-GVGD: "Class C0"). This variant has not been reported in the literature in individuals with SCARB2-related conditions. This variant is not present in population databases (ExAC no frequency). This sequence change replaces threonine with proline at codon 90 of the SCARB2 protein (p.Thr90Pro). The threonine residue is highly conserved and there is a small physicochemical difference between threonine and proline.

NM_005506.4(SCARB2):c.268A>C (p.Thr90Pro)

Gene: SCARB2 (scavenger receptor class B member 2; minus strand). Cytogenetic location: 4q21.1.
Variant type: single nucleotide variant.
Coding change: c.268A>C on transcript NM_005506.4 (MANE Select); coding-DNA position 268, A replaced by C.
Protein change: p.Thr90Pro; replaces threonine 90 with proline.
Molecular consequence: missense variant.
Genome position (GRCh38, 1-based): chr4:76,195,714, T>G on the plus strand (A>C on the coding strand, the complement: SCARB2 is on the minus strand). VCF-style: chr4-76195714-T-G. GRCh37 (hg19) VCF-style: chr4-77116867-T-G.
Other names: c.268A>C, p.Thr90Pro (NM_001204255.2); short protein forms T90P.
Identifiers: ClinVar variation 946159 (VCV000946159.9), dbSNP rs1732696609, ClinGen allele CA357327440.